The following is an entry in ClinVar:

NM_000135.4(FANCA):c.2817T>G (p.Ile939Met)

Gene: FANCA (FA complementation group A; minus strand). Cytogenetic location: 16q24.3.
Variant type: single nucleotide variant.
Coding change: c.2817T>G on transcript NM_000135.4 (MANE Select); coding-DNA position 2817, T replaced by G.
Protein change: p.Ile939Met; replaces isoleucine 939 with methionine.
Molecular consequence: missense variant.
Genome position (GRCh38, 1-based): chr16:89,761,984, A>C on the plus strand (T>G on the coding strand, the complement: FANCA is on the minus strand). VCF-style: chr16-89761984-A-C. GRCh37 (hg19) VCF-style: chr16-89828392-A-C.
Other names: c.2817T>G, p.Ile939Met (NM_001286167.3); c.2817T>G (NM_000135.3, NM_000135.2); short protein forms I939M.
Identifiers: ClinVar variation 1510426 (VCV001510426.13), dbSNP rs769970040, ClinGen allele CA8251494.
Genomic context (GRCh38, chr16:89,761,984, plus strand): 5'-CAGGGTAGCTCTTTTCAACACTTACCGTTCAGTATCTGAAAGAGCATCAGCTTCAGGTTG[A>C]ATTTCCAGCTCCAGGTGTAACCAGTCTTGGTAAGTTAACTGAGAAAGAGAGCAAGCAATT-3'
Protein context (NP_000126.2, residues 929-949): YQDWLHLELE[Ile939Met]QPEADALSDT

ClinVar aggregate classification (germline): Uncertain significance. Review status: criteria provided, multiple submitters, no conflicts (2 of 4 stars). 5 submissions from 5 submitters: Uncertain significance (4). 1 of the submissions does not count toward it. Last evaluated 2025-01-14.

Conditions:
FANCA-related disorder. Also called: FANCA-related condition.
Fanconi anemia (FA). Also called: Fanconi's anemia. Identifiers: Orphanet 84, MedGen C0015625, MeSH D005199, MONDO:0019391.
Fanconi anemia complementation group A (FANCA). Also called: FANCA-Related Fanconi Anemia; Fanconi anemia, group A. Identifiers: Orphanet 84, MedGen C3469521, MONDO:0009215, OMIM 227650.

Allele frequency attached by ClinVar (database versions not stated): TOPMed below 0.00001; ExAC 0.00001; gnomAD exomes 0.00001.
gnomAD v4.1: 3 of 1,614,126 alleles (0.00019%); highest among the groups gnomAD compares: Admixed American, 0.005%; no homozygotes.

Submissions (5):

Quest Diagnostics Nichols Institute San Juan Capistrano
Classification: Uncertain significance. Last evaluated: 2025-01-14. Review status: criteria provided, single submitter. Criteria: Quest Diagnostics criteria. Collection method: clinical testing. Allele origin: unknown.
Comment: The FANCA c.2817T>G (p.Ile939Met) variant has not been reported in individuals with FANCA-related conditions in the published literature. The frequency of this variant in the general population (Genome Aggregation Database) is uninformative in the assessment of its pathogenicity. Analysis of this variant using bioinformatics tools for the prediction of the effect of amino acid changes on protein structure and function yielded conflicting predictions that this variant is benign or damaging. Based on the available information, we are unable to determine the clinical significance of this variant.

Fulgent Genetics
Classification: Uncertain significance for Fanconi anemia complementation group A. Last evaluated: 2024-01-18. Review status: criteria provided, single submitter. Criteria: ACMG Guidelines, 2015. Collection method: clinical testing. Allele origin: germline.

Revvity Omics, Revvity
Classification: Uncertain significance for Fanconi anemia complementation group A. Last evaluated: 2023-05-12. Review status: criteria provided, single submitter. Criteria: ACMG Guidelines, 2015. Collection method: clinical testing. Allele origin: germline.

Labcorp Genetics (formerly Invitae), Labcorp
Classification: Uncertain significance for Fanconi anemia. Last evaluated: 2022-07-27. Review status: criteria provided, single submitter. Criteria: Invitae Variant Classification Sherloc (09022015). Collection method: clinical testing. Allele origin: germline.
Comment: In summary, the available evidence is currently insufficient to determine the role of this variant in disease. Therefore, it has been classified as a Variant of Uncertain Significance. Advanced modeling of protein sequence and biophysical properties (such as structural, functional, and spatial information, amino acid conservation, physicochemical variation, residue mobility, and thermodynamic stability) performed at Invitae indicates that this missense variant is not expected to disrupt FANCA protein function. ClinVar contains an entry for this variant (Variation ID: 1510426). This variant has not been reported in the literature in individuals affected with FANCA-related conditions. This variant is present in population databases (rs769970040, gnomAD 0.009%). This sequence change replaces isoleucine, which is neutral and non-polar, with methionine, which is neutral and non-polar, at codon 939 of the FANCA protein (p.Ile939Met).

PreventionGenetics, part of Exact Sciences
Classification: Uncertain significance for FANCA-related condition. Last evaluated: 2024-09-06. Review status: no assertion criteria provided. Collection method: clinical testing. Allele origin: germline. Not counted in ClinVar's aggregate classification.
Comment: The FANCA c.2817T>G variant is predicted to result in the amino acid substitution p.Ile939Met. To our knowledge, this variant has not been reported in the literature. This variant is reported in 0.0087% of alleles in individuals of Latino descent in gnomAD. At this time, the clinical significance of this variant is uncertain due to the absence of conclusive functional and genetic evidence.